The following is an entry in ClinVar:

NM_001283009.2(RTEL1):c.3709C>A (p.Pro1237Thr)

Genes: RTEL1 (regulator of telomere elongation helicase 1; plus strand), RTEL1-TNFRSF6B (RTEL1-TNFRSF6B readthrough (NMD candidate); plus strand). Cytogenetic location: 20q13.33.
Variant type: single nucleotide variant.
Coding change: c.3709C>A on transcript NM_001283009.2 (MANE Select); coding-DNA position 3709, C replaced by A.
Protein change: p.Pro1237Thr; replaces proline 1237 with threonine.
Molecular consequence: missense variant. On other transcripts: non-coding transcript variant (1), intron variant (3).
Genome position (GRCh38, 1-based): chr20:63,695,537, C>A. VCF-style: chr20-63695537-C-A. GRCh37 (hg19) VCF-style: chr20-62326890-C-A.
Other names: c.2983+57C>A (NM_001283010.1); c.3724+57C>A (NM_032957.5); c.3652+57C>A (NM_016434.4); short protein forms P1237T.
Identifiers: ClinVar variation 4157617 (VCV004157617.1).

ClinVar aggregate classification (germline): Uncertain significance (1 of 4 stars; one submission).

Conditions:
Inborn genetic diseases. Identifiers: MedGen C0950123, MeSH D030342.

Submission:

Ambry Genetics
Classification: Uncertain significance for Inborn genetic diseases. Last evaluated: 2025-07-25. Review status: criteria provided, single submitter. Criteria: Ambry Variant Classification Scheme 2023. Collection method: clinical testing. Allele origin: germline.
Comment: The p.P1237T variant (also known as c.3709C>A), located in coding exon 33 of the RTEL1 gene, results from a C to A substitution at nucleotide position 3709. The proline at codon 1237 is replaced by threonine, an amino acid with highly similar properties. This amino acid position is conserved. In addition, the in silico prediction for this alteration is inconclusive. Based on the available evidence, the clinical significance of this variant remains unclear.